The following is an entry in ClinVar:

ClinVar aggregate classification (germline): Likely pathogenic (1 of 4 stars; one submission).

Conditions:
Familial thoracic aortic aneurysm and aortic dissection (TAAD). Also called: Thoracic aortic aneurysms and dissections. Identifiers: Orphanet 91387, MedGen C4707243, MONDO:0019625.

Submission:

Ambry Genetics
Classification: Likely pathogenic for Familial thoracic aortic aneurysm and aortic dissection. Last evaluated: 2019-09-30. Review status: criteria provided, single submitter. Criteria: Ambry Variant Classification Scheme 2023. Collection method: clinical testing. Allele origin: germline.
Comment: The p.C1320S variant (also known as c.3958T>A), located in coding exon 31 of the FBN1 gene, results from a T to A substitution at nucleotide position 3958. The cysteine at codon 1320 is replaced by serine, an amino acid with dissimilar properties. This alteration has been reported in a subject with features of Marfan syndrome (Liu WO et al. Genet. Test.;1:237-42). Other alterations affecting the same amino acid, p.C1320R (c.3958T>C) and p.C1320F (c.3959G>T), have also been reported in association with Marfan syndrome (Attanasio M et al. Clin. Genet., 2008 Jul;74:39-46; Aalberts JJ et al. Gene, 2014 Jan;534:40-3). The majority of FBN1 mutations identified to date have involved the substitution or generation of cysteine residues within cbEGF domains (Vollbrandt T et al. J Biol Chem. 2004;279(31):32924-32931). This amino acid position is highly conserved in available vertebrate species. In addition, this alteration is predicted to be deleterious by in silico analysis. Based on the majority of available evidence to date, this variant is likely to be pathogenic.

Literature cited by the submitters: PubMed 10464652; PubMed 11071382; PubMed 18435798; PubMed 24161884.

NM_000138.5(FBN1):c.3958T>A (p.Cys1320Ser)

Gene: FBN1 (fibrillin 1; minus strand). Cytogenetic location: 15q21.1.
Variant type: single nucleotide variant.
Coding change: c.3958T>A on transcript NM_000138.5 (MANE Select); coding-DNA position 3958, T replaced by A.
Protein change: p.Cys1320Ser; replaces cysteine 1320 with serine.
Molecular consequence: missense variant.
Genome position (GRCh38, 1-based): chr15:48,481,661, A>T on the plus strand (T>A on the coding strand, the complement: FBN1 is on the minus strand). VCF-style: chr15-48481661-A-T. GRCh37 (hg19) VCF-style: chr15-48773858-A-T.
Other names: c.3958T>A, p.Cys1320Ser (NM_001406716.1); short protein forms C1320S.
Identifiers: ClinVar variation 1736484 (VCV001736484.2), dbSNP rs1597558920, ClinGen allele CA392322199.
Genomic context (GRCh38, chr15:48,481,661, plus strand): 5'-GATACCAATCTCTTAACTACTTAATATTTTATTGTTCTACTTGAACAAACACACCTGTAC[A>T]GCCAGTTTTTCCTTTTTTGCCGGAGTAGCCCATATCACAGTGGCAGATAAATGAGCCTTT-3'
Protein context (NP_000129.3, residues 1310-1330): GYSGKKGKTG[Cys1320Ser]TDINECEIGA